The following is an entry in ClinVar:

NM_000089.4(COL1A2):c.1503+1G>A

Gene: COL1A2 (collagen type I alpha 2 chain; plus strand). Cytogenetic location: 7q21.3.
Variant type: single nucleotide variant.
Coding change: c.1503+1G>A on transcript NM_000089.4 (MANE Select); the canonical splice donor site of the intron after coding-DNA position 1503, G replaced by A.
Molecular consequence: splice donor variant.
Genome position (GRCh38, 1-based): chr7:94,412,683, G>A. VCF-style: chr7-94412683-G-A. GRCh37 (hg19) VCF-style: chr7-94041995-G-A.
Identifiers: ClinVar variation 951017 (VCV000951017.14), dbSNP rs1554396615, ClinGen allele CA368221979.
Genomic context (GRCh38, chr7:94,412,683, plus strand): 5'-CCAGCTGGAGCAAGAGGAGAGCCTGGCAACATTGGATTCCCTGGACCCAAAGGCCCCACT[G>A]TAAGAATCACCACAACTTTCTTACCCTCAGCACTTTCTGTAGCCAAATTTTACCAAACTC-3'

ClinVar aggregate classification (germline): Pathogenic/Likely pathogenic. Review status: criteria provided, multiple submitters, no conflicts (2 of 4 stars). 2 submissions from 2 submitters: Pathogenic (1); Likely pathogenic (1). Last evaluated 2024-11-21.

Conditions:
Osteogenesis imperfecta (OI). Identifiers: Orphanet 666, MedGen C0029434, MeSH D010013, MONDO:0019019.
Osteogenesis imperfecta type I (OI1). Also called: Lobstein's Disease; OI, TYPE I; OSTEOGENESIS IMPERFECTA TARDA; OSTEOGENESIS IMPERFECTA WITH BLUE SCLERAE; Osteogenesis imperfecta type 1; Lobstein disease. Identifiers: Orphanet 216796, Orphanet 666, MedGen C0023931, MONDO:0008146, OMIM 166200. Disease mechanism: loss of function.
Ehlers-Danlos syndrome, classic type, 1 (EDSCL1). Also called: Ehlers-Danlos syndrome, type 1; EHLERS-DANLOS SYNDROME, GRAVIS TYPE; EHLERS-DANLOS SYNDROME, SEVERE CLASSIC TYPE; EDS I; Ehlers-Danlos Syndrome, Classic Type, COL5A1-Related. Identifiers: MedGen C0268335, MONDO:0019567, OMIM 130000.

Allele frequency attached by ClinVar (database versions not stated): gnomAD exomes below 0.00001.
gnomAD v4.1: 2 of 1,613,634 alleles (0.00012%); highest among the groups gnomAD compares: Non-Finnish European, 0.000085%; no homozygotes.

Submissions (2):

Labcorp Genetics (formerly Invitae), Labcorp
Classification: Pathogenic for Osteogenesis imperfecta type I; Ehlers-Danlos syndrome, classic type, 1. Last evaluated: 2024-11-21. Review status: criteria provided, single submitter. Criteria: Invitae Variant Classification Sherloc (09022015). Collection method: clinical testing. Allele origin: germline.
Comment: This sequence change affects a donor splice site in intron 25 of the COL1A2 gene. It is expected to disrupt RNA splicing. Variants that disrupt the donor or acceptor splice site typically lead to a loss of protein function (PMID: 16199547), and loss-of-function variants in COL1A2 are known to be pathogenic (PMID: 11288717, 15077201). This variant is not present in population databases (gnomAD no frequency). Disruption of this splice site has been observed in individuals with clinical features of autosomal dominant osteogenesis imperfecta (internal data). It has also been observed to segregate with disease in related individuals. ClinVar contains an entry for this variant (Variation ID: 951017). Algorithms developed to predict the effect of sequence changes on RNA splicing suggest that this variant may disrupt the consensus splice site. For these reasons, this variant has been classified as Pathogenic.

Genome Diagnostics Laboratory, The Hospital for Sick Children
Classification: Likely pathogenic for Osteogenesis imperfecta. Last evaluated: 2019-01-01. Review status: criteria provided, single submitter. Criteria: ACMG Guidelines, 2015. Collection method: clinical testing. Allele origin: germline.

Literature cited by the submitters: PubMed 16199547 (cited by Labcorp Genetics (formerly Invitae), Labcorp); PubMed 11288717 (cited by Labcorp Genetics (formerly Invitae), Labcorp); PubMed 15077201 (cited by Labcorp Genetics (formerly Invitae), Labcorp).